The following is an entry in ClinVar:

ClinVar aggregate classification (germline): Uncertain significance. Review status: criteria provided, multiple submitters, no conflicts (2 of 4 stars). 2 submissions from 2 submitters: Uncertain significance (2). Last evaluated 2024-12-31.

Allele frequency attached by ClinVar (database versions not stated): gnomAD 0.00001; TOPMed 0.00001.
gnomAD v4.1: 8 of 1,614,068 alleles (0.0005%); highest among the groups gnomAD compares: Middle Eastern, 0.016%; no homozygotes.

Submissions (2):

Ambry Genetics
Classification: Uncertain significance. Last evaluated: 2024-12-31. Review status: criteria provided, single submitter. Criteria: Ambry Variant Classification Scheme 2023. Collection method: clinical testing. Allele origin: germline.

Labcorp Genetics (formerly Invitae), Labcorp
Classification: Uncertain significance. Last evaluated: 2024-10-15. Review status: criteria provided, single submitter. Criteria: Invitae Variant Classification Sherloc (09022015). Collection method: clinical testing. Allele origin: germline.
Comment: This sequence change replaces glutamic acid, which is acidic and polar, with glutamine, which is neutral and polar, at codon 944 of the SORL1 protein (p.Glu944Gln). This variant is present in population databases (no rsID available, gnomAD 0.02%). This variant has not been reported in the literature in individuals affected with SORL1-related conditions. ClinVar contains an entry for this variant (Variation ID: 2082141). An algorithm developed to predict the effect of missense changes on protein structure and function (PolyPhen-2) suggests that this variant is likely to be disruptive. In summary, the available evidence is currently insufficient to determine the role of this variant in disease. Therefore, it has been classified as a Variant of Uncertain Significance.

NM_003105.6(SORL1):c.2830G>C (p.Glu944Gln)

Gene: SORL1 (sortilin related receptor 1; plus strand). Cytogenetic location: 11q24.1.
Variant type: single nucleotide variant.
Coding change: c.2830G>C on transcript NM_003105.6 (MANE Select); coding-DNA position 2830, G replaced by C.
Protein change: p.Glu944Gln; replaces glutamic acid 944 with glutamine.
Molecular consequence: missense variant.
Genome position (GRCh38, 1-based): chr11:121,558,757, G>C. VCF-style: chr11-121558757-G-C. GRCh37 (hg19) VCF-style: chr11-121429466-G-C.
Other names: c.2830G>C (NM_003105.5); short protein forms E944Q.
Identifiers: ClinVar variation 2082141 (VCV002082141.5), dbSNP rs1020233447, ClinGen allele CA229902917.